The following is an entry in ClinVar:

NM_000540.3(RYR1):c.2167+31C>G

Gene: RYR1 (ryanodine receptor 1; plus strand). Cytogenetic location: 19q13.2.
Variant type: single nucleotide variant.
Coding change: c.2167+31C>G on transcript NM_000540.3 (MANE Select); 31 bases into the intron after coding-DNA position 2167, C replaced by G.
Molecular consequence: intron variant.
Genome position (GRCh38, 1-based): chr19:38,458,323, C>G. VCF-style: chr19-38458323-C-G. GRCh37 (hg19) VCF-style: chr19-38948963-C-G.
Other names: c.2167+31C>G (NM_001042723.2).
Identifiers: ClinVar variation 133112 (VCV000133112.4), dbSNP rs2071086, ClinGen allele CA024335.
Genomic context (GRCh38, chr19:38,458,323, plus strand): 5'-ACGGCTTTGATGGACTGCATCTCTGGACAGGTACCTGACCCCTTCCAGGGGACCCTCACC[C>G]CTGACCATTGACCCCAGCATTTCTAAGTCTCTGACCATACACCTTGGGGTTCTCAGGATC-3'

ClinVar aggregate classification (germline): Benign. Review status: criteria provided, multiple submitters, no conflicts (2 of 4 stars). 4 submissions from 4 submitters: Benign (3). 1 of the submissions does not count toward it. Last evaluated 2018-06-19.

Allele frequency attached by ClinVar (database versions not stated): ESP Exome Variant Server 0.14256; gnomAD 0.16029 and 0.16784; TOPMed 0.16233; ExAC 0.20886; gnomAD exomes 0.20948; 1000 Genomes Project 30x 0.21034; 1000 Genomes Project 0.21865.

Submissions (4):

GeneDx
Classification: Benign. Last evaluated: 2018-06-19. Review status: criteria provided, single submitter. Criteria: GeneDx Variant Classification (06012015). Collection method: clinical testing. Allele origin: germline. Affected: yes.
Comment: This variant is considered likely benign or benign based on one or more of the following criteria: it is a conservative change, it occurs at a poorly conserved position in the protein, it is predicted to be benign by multiple in silico algorithms, and/or has population frequency not consistent with disease.

PreventionGenetics, part of Exact Sciences
Classification: Benign. Last evaluated: 2013-10-18. Review status: criteria provided, single submitter. Criteria: ACMG Guidelines, 2015. Collection method: clinical testing. Allele origin: germline.

Breakthrough Genomics
Classification: Benign. Review status: criteria provided, single submitter. Criteria: ACMG Guidelines, 2015. Collection method: not provided. Allele origin: germline. Inheritance: Autosomal recessive inheritance. Affected: yes.

RYR1 database
No classification provided. Review status: no classification provided. Collection method: not provided. Allele origin: unknown. Not counted in ClinVar's aggregate classification.